The following is an entry in ClinVar:

ClinVar aggregate classification (germline): Uncertain significance. Review status: criteria provided, multiple submitters, no conflicts (2 of 4 stars). 2 submissions from 2 submitters: Uncertain significance (2). Last evaluated 2023-05-16.

Conditions:
Congenital myopathy with internal nuclei and atypical cores. Also called: Myopathy, centronuclear, 4. Identifiers: Orphanet 319160, MedGen C4707232, MONDO:0013890, OMIM 614807.

Allele frequency attached by ClinVar (database versions not stated): TOPMed 0.00002; gnomAD exomes below 0.00001; gnomAD 0.00001.
gnomAD v4.1: 13 of 1,612,394 alleles (0.00081%); highest among the groups gnomAD compares: Admixed American, 0.005%; no homozygotes.

Submissions (2):

Labcorp Genetics (formerly Invitae), Labcorp
Classification: Uncertain significance for Congenital myopathy with internal nuclei and atypical cores. Last evaluated: 2023-05-16. Review status: criteria provided, single submitter. Criteria: Invitae Variant Classification Sherloc (09022015). Collection method: clinical testing. Allele origin: germline.
Comment: In summary, the available evidence is currently insufficient to determine the role of this variant in disease. Therefore, it has been classified as a Variant of Uncertain Significance. Algorithms developed to predict the effect of missense changes on protein structure and function output the following: SIFT: "Not Available"; PolyPhen-2: "Benign"; Align-GVGD: "Not Available". The aspartic acid amino acid residue is found in multiple mammalian species, which suggests that this missense change does not adversely affect protein function. ClinVar contains an entry for this variant (Variation ID: 804682). This variant has not been reported in the literature in individuals affected with CCDC78-related conditions. This variant is present in population databases (no rsID available, gnomAD 0.003%). This sequence change replaces glycine, which is neutral and non-polar, with aspartic acid, which is acidic and polar, at codon 379 of the CCDC78 protein (p.Gly379Asp).

Athena Diagnostics
Classification: Uncertain significance. Last evaluated: 2018-12-24. Review status: criteria provided, single submitter. Criteria: Athena Diagnostics Criteria. Collection method: clinical testing. Allele origin: germline.

NM_001378030.1(CCDC78):c.1136G>A (p.Gly379Asp)

Gene: CCDC78 (coiled-coil domain containing 78; minus strand). Cytogenetic location: 16p13.3.
Variant type: single nucleotide variant.
Coding change: c.1136G>A on transcript NM_001378030.1 (MANE Select); coding-DNA position 1136, G replaced by A.
Protein change: p.Gly379Asp; replaces glycine 379 with aspartic acid.
Molecular consequence: missense variant. On other transcripts: non-coding transcript variant (5).
Genome position (GRCh38, 1-based): chr16:723,159, C>T on the plus strand (G>A on the coding strand, the complement: CCDC78 is on the minus strand). VCF-style: chr16-723159-C-T. GRCh37 (hg19) VCF-style: chr16-773159-C-T.
Other names: c.1136G>A, p.Gly379Asp (NM_001031737.3); c.956G>A, p.Gly319Asp (NM_001378031.1); c.569G>A, p.Gly190Asp (NM_001378033.1); short protein forms G379D, G190D, G319D.
Identifiers: ClinVar variation 804682 (VCV000804682.8), dbSNP rs1296158476, ClinGen allele CA394098000.